The following is an entry in ClinVar:

NM_000419.5(ITGA2B):c.1999G>A (p.Asp667Asn)

Gene: ITGA2B (integrin subunit alpha 2b; minus strand). Cytogenetic location: 17q21.31.
Variant type: single nucleotide variant.
Coding change: c.1999G>A on transcript NM_000419.5 (MANE Select); coding-DNA position 1999, G replaced by A.
Protein change: p.Asp667Asn; replaces aspartic acid 667 with asparagine.
Molecular consequence: missense variant.
Genome position (GRCh38, 1-based): chr17:44,378,457, C>T on the plus strand (G>A on the coding strand, the complement: ITGA2B is on the minus strand). VCF-style: chr17-44378457-C-T. GRCh37 (hg19) VCF-style: chr17-42455825-C-T.
Other names: short protein forms D667N.
Identifiers: ClinVar variation 2914629 (VCV002914629.3), dbSNP rs2048564503, ClinGen allele CA399800240.
Genomic context (GRCh38, chr17:44,378,457, plus strand): 5'-CCTGGGGCAGGTGCACGGCCAGCTCTGCTTCATAGGCCCCCTCGCCCTCGTTGGCTGCGT[C>T]CATCTGCAGCTCCAGGACATTATCTGCCCCAACTAGGAGCGGGGAGCCCGTCCTGTGGGG-3'
Protein context (NP_000410.2, residues 657-677): GADNVLELQM[Asp667Asn]AANEGEGAYE

ClinVar aggregate classification (germline): Uncertain significance (1 of 4 stars; one submission).

Conditions:
Glanzmann thrombasthenia. Also called: BLEEDING DISORDER, PLATELET-TYPE, 2; THROMBASTHENIA OF GLANZMANN AND NAEGELI; Thrombasthenia; PLATELET GLYCOPROTEIN IIb-IIIa DEFICIENCY; Glanzmann's thrombasthenia. Identifiers: Orphanet 849, MedGen C0040015, MONDO:0100326.

Allele frequency attached by ClinVar (database versions not stated): gnomAD exomes below 0.00001; TOPMed 0.00001.
gnomAD v4.1: 1 of 1,613,698 alleles (0.000062%); highest among the groups gnomAD compares: Non-Finnish European, 0.000085%; no homozygotes.

Submission:

Labcorp Genetics (formerly Invitae), Labcorp
Classification: Uncertain significance for Glanzmann thrombasthenia. Last evaluated: 2023-10-05. Review status: criteria provided, single submitter. Criteria: Invitae Variant Classification Sherloc (09022015). Collection method: clinical testing. Allele origin: germline.
Comment: This sequence change replaces aspartic acid, which is acidic and polar, with asparagine, which is neutral and polar, at codon 667 of the ITGA2B protein (p.Asp667Asn). This variant is not present in population databases (gnomAD no frequency). This variant has not been reported in the literature in individuals affected with ITGA2B-related conditions. Advanced modeling of protein sequence and biophysical properties (such as structural, functional, and spatial information, amino acid conservation, physicochemical variation, residue mobility, and thermodynamic stability) performed at Invitae indicates that this missense variant is not expected to disrupt ITGA2B protein function. In summary, the available evidence is currently insufficient to determine the role of this variant in disease. Therefore, it has been classified as a Variant of Uncertain Significance.